The following is an entry in ClinVar:

ClinVar aggregate classification (germline): Likely benign (1 of 4 stars; one submission).

Allele frequency attached by ClinVar (database versions not stated): gnomAD exomes 0.00017; gnomAD 0.00100.
gnomAD v4.1: 306 of 1,305,066 alleles (0.023%); highest among the groups gnomAD compares: African/African-American, 0.47%; 15 homozygotes.

Submission:

CeGaT Center for Human Genetics Tuebingen
Classification: Likely benign. Last evaluated: 2024-10-01. Review status: criteria provided, single submitter. Criteria: CeGaT Center For Human Genetics Tuebingen Variant Classification Criteria Version 2. Collection method: clinical testing. Allele origin: germline. Affected: yes. Observed: 4 variant alleles.
Comment: MUC4: BP4, BS2

NM_018406.7(MUC4):c.12013A>G (p.Ser4005Gly)

Gene: MUC4 (mucin 4, cell surface associated). Cytogenetic location: 3q29.
Variant type: single nucleotide variant.
Coding change: c.12013A>G on transcript NM_018406.7 (MANE Select); coding-DNA position 12013, A replaced by G.
Protein change: p.Ser4005Gly; replaces serine 4005 with glycine.
Molecular consequence: missense variant. On other transcripts: genic upstream transcript variant (2).
Genome position (GRCh38, 1-based): chr3:195,779,567, T>C on the plus strand (A>G on the coding strand, the complement: MUC4 is on the minus strand). VCF-style: chr3-195779567-T-C. GRCh37 (hg19) VCF-style: chr3-195506438-T-C.
Other names: c.17311A>G, p.Ser5771Gly (NM_001322468.1); c.83-5262A>G (NM_138297.5); c.83-1112A>G (NM_004532.6); short protein forms S4005G, S5771G.
Identifiers: ClinVar variation 2654391 (VCV002654391.24), dbSNP rs1223954324, ClinGen allele CA2769092.